The following is an entry in ClinVar:

NM_182895.5(SCARF2):c.2061C>T (p.Gly687=)

Gene: SCARF2 (scavenger receptor class F member 2; minus strand). Cytogenetic location: 22q11.21.
Variant type: single nucleotide variant.
Coding change: c.2061C>T on transcript NM_182895.5 (MANE Select); coding-DNA position 2061, C replaced by T.
Protein change: p.Gly687=; no amino-acid change (glycine 687 retained).
Molecular consequence: synonymous variant.
Genome position (GRCh38, 1-based): chr22:20,425,915, G>A on the plus strand (C>T on the coding strand, the complement: SCARF2 is on the minus strand). VCF-style: chr22-20425915-G-A. GRCh37 (hg19) VCF-style: chr22-20780202-G-A.
Other names: c.2076C>T, p.Gly692= (NM_153334.7).
Identifiers: ClinVar variation 2652896 (VCV002652896.24), dbSNP rs778525967, ClinGen allele CA10112237.

ClinVar aggregate classification (germline): Likely benign (1 of 4 stars; one submission).

Allele frequency attached by ClinVar (database versions not stated): gnomAD 0.00001; TOPMed 0.00001; ExAC 0.00002; gnomAD exomes 0.00002.

Submission:

CeGaT Center for Human Genetics Tuebingen
Classification: Likely benign. Last evaluated: 2022-11-01. Review status: criteria provided, single submitter. Criteria: CeGaT Center For Human Genetics Tuebingen Variant Classification Criteria Version 2. Collection method: clinical testing. Allele origin: germline. Affected: yes. Observed: 1 variant allele.
Comment: SCARF2: BP4, BP7